The following is an entry in ClinVar:

NM_015488.5(PNKD):c.37C>T (p.Arg13Trp)

Genes: PNKD (PNKD metallo-beta-lactamase domain containing; plus strand), LOC129935594 (ATAC-STARR-seq lymphoblastoid active region 17117; plus strand). Cytogenetic location: 2q35.
Variant type: single nucleotide variant.
Coding change: c.37C>T on transcript NM_015488.5 (MANE Select); coding-DNA position 37, C replaced by T.
Protein change: p.Arg13Trp; replaces arginine 13 with tryptophan.
Molecular consequence: missense variant.
Genome position (GRCh38, 1-based): chr2:218,270,572, C>T. VCF-style: chr2-218270572-C-T. GRCh37 (hg19) VCF-style: chr2-219135295-C-T.
Other names: c.37C>T, p.Arg13Trp (NM_001077399.3); short protein forms R13W.
Identifiers: ClinVar variation 334308 (VCV000334308.13), dbSNP rs886055619, ClinGen allele CA10614289.

ClinVar aggregate classification (germline): Uncertain significance. Review status: criteria provided, multiple submitters, no conflicts (2 of 4 stars). 2 submissions from 2 submitters: Uncertain significance (2). Last evaluated 2022-12-27.

Conditions:
Paroxysmal nonkinesigenic dyskinesia 1 (PNKD1). Also called: Familial Paroxysmal Nonkinesigenic Dyskinesia; DYSTONIA 8; PAROXYSMAL DYSTONIC CHOREOATHETOSIS; Nonkinesigenic choreoathetosis; Familial paroxysmal choreoathetosis; MOUNT-REBACK SYNDROME. Identifiers: Orphanet 98810, MedGen C4551506, MONDO:0700089, OMIM 118800, MONDO:0007326.
Paroxysmal nonkinesigenic dyskinesia. Also called: Paroxysmal non-kinesigenic dyskinesia. Identifiers: Orphanet 98810, MedGen C1869117, MONDO:0700088.

Allele frequency attached by ClinVar (database versions not stated): gnomAD exomes below 0.00001; gnomAD 0.00001 and 0.00003; TOPMed 0.00002.
gnomAD v4.1: 5 of 1,193,634 alleles (0.00042%); highest among the groups gnomAD compares: East Asian, 0.012%; no homozygotes.

Submissions (2):

Labcorp Genetics (formerly Invitae), Labcorp
Classification: Uncertain significance for Paroxysmal nonkinesigenic dyskinesia. Last evaluated: 2022-12-27. Review status: criteria provided, single submitter. Criteria: Invitae Variant Classification Sherloc (09022015). Collection method: clinical testing. Allele origin: germline.
Comment: In summary, the available evidence is currently insufficient to determine the role of this variant in disease. Therefore, it has been classified as a Variant of Uncertain Significance. Algorithms developed to predict the effect of missense changes on protein structure and function are either unavailable or do not agree on the potential impact of this missense change (SIFT: "Deleterious"; PolyPhen-2: "Possibly Damaging"; Align-GVGD: "Class C0"). ClinVar contains an entry for this variant (Variation ID: 334308). This variant has not been reported in the literature in individuals affected with PNKD-related conditions. The frequency data for this variant in the population databases is considered unreliable, as metrics indicate poor data quality at this position in the gnomAD database. This sequence change replaces arginine, which is basic and polar, with tryptophan, which is neutral and slightly polar, at codon 13 of the PNKD protein (p.Arg13Trp).

Illumina Laboratory Services, Illumina
Classification: Uncertain significance for Paroxysmal nonkinesigenic dyskinesia 1. Last evaluated: 2018-01-13. Review status: criteria provided, single submitter. Criteria: ICSL Variant Classification Criteria 13 December 2019. Collection method: clinical testing. Allele origin: germline.